The following is an entry in ClinVar:

ClinVar aggregate classification (germline): Likely benign (1 of 4 stars; one submission).

Allele frequency attached by ClinVar (database versions not stated): ExAC 0.00007; ESP Exome Variant Server 0.00008; TOPMed 0.00018; gnomAD 0.00019; gnomAD exomes 0.00030.
gnomAD v4.1: 457 of 1,613,768 alleles (0.028%); highest among the groups gnomAD compares: Non-Finnish European, 0.037%; no homozygotes.

Submission:

CeGaT Center for Human Genetics Tuebingen
Classification: Likely benign. Last evaluated: 2022-09-01. Review status: criteria provided, single submitter. Criteria: CeGaT Center For Human Genetics Tuebingen Variant Classification Criteria Version 2. Collection method: clinical testing. Allele origin: germline. Affected: yes. Observed: 1 variant allele.
Comment: MYO18A: BP4

NM_078471.4(MYO18A):c.6073G>A (p.Asp2025Asn)

Gene: MYO18A (myosin XVIIIA; minus strand). Cytogenetic location: 17q11.2.
Variant type: single nucleotide variant.
Coding change: c.6073G>A on transcript NM_078471.4 (MANE Select); coding-DNA position 6073, G replaced by A.
Protein change: p.Asp2025Asn; replaces aspartic acid 2025 with asparagine.
Molecular consequence: missense variant.
Genome position (GRCh38, 1-based): chr17:29,074,862, C>T on the plus strand (G>A on the coding strand, the complement: MYO18A is on the minus strand). VCF-style: chr17-29074862-C-T. GRCh37 (hg19) VCF-style: chr17-27401880-C-T.
Other names: c.6085G>A, p.Asp2029Asn (NM_001346765.2); c.6064G>A, p.Asp2022Asn (NM_001346766.2); c.5917G>A, p.Asp1973Asn (NM_001346767.2); c.4654G>A, p.Asp1552Asn (NM_001346768.2); c.6028G>A, p.Asp2010Asn (NM_203318.2); short protein forms D1552N, D1973N, D2010N, D2022N, D2025N, D2029N.
Identifiers: ClinVar variation 2647606 (VCV002647606.24), dbSNP rs372030853, ClinGen allele CA8471773.
Genomic context (GRCh38, chr17:29,074,862, plus strand): 5'-TGTCGCTGTCACTCAGATAACTGTGGGAGTATCGCGGTCTGGAGGTGTTGTCGAGAGGGT[C>T]GTGCTCATCATCTGACCGATCAGGGGCAAGGGACTTCCAGTAGCTGGTGGGGCTGCAGGG-3'
Protein context (NP_510880.2, residues 2015-2035): LAPDRSDDEH[Asp2025Asn]PLDNTSRPRY